The following is an entry in ClinVar:

ClinVar aggregate classification (germline): Uncertain significance. Review status: criteria provided, multiple submitters, no conflicts (2 of 4 stars). 2 submissions from 2 submitters: Uncertain significance (2). Last evaluated 2024-10-24.

Conditions:
Hereditary breast ovarian cancer syndrome. Also called: Hereditary breast and ovarian cancer; Hereditary breast and ovarian cancer syndrome (HBOC); Hereditary breast and/or ovarian cancer syndrome; Hereditary breast and ovarian cancer syndrome; Breast and ovarian cancer; BRCA1- and BRCA2-Associated Hereditary Breast and Ovarian Cancer. Identifiers: Orphanet 145, MedGen C0677776, MeSH D061325, MONDO:0003582. Disease mechanism: loss of function.
Ataxia-telangiectasia syndrome (AT). Also called: Ataxia-telangiectasia, complementation group D; AT, COMPLEMENTATION GROUP C; ATAXIA-TELANGIECTASIA, COMPLEMENTATION GROUP A; ATAXIA-TELANGIECTASIA, FRESNO VARIANT; Ataxia-telangiectasia; Ataxia telangiectasia (A-T). Identifiers: Orphanet 100, MedGen C0004135, MONDO:0008840, OMIM 208900.

Submissions (2):

Labcorp Genetics (formerly Invitae), Labcorp
Classification: Uncertain significance for Ataxia-telangiectasia syndrome. Last evaluated: 2024-10-24. Review status: criteria provided, single submitter. Criteria: Invitae Variant Classification Sherloc (09022015). Collection method: clinical testing. Allele origin: germline.
Comment: This sequence change falls in intron 59 of the ATM gene. It does not directly change the encoded amino acid sequence of the ATM protein. This variant is not present in population databases (gnomAD no frequency). This variant has not been reported in the literature in individuals affected with ATM-related conditions. ClinVar contains an entry for this variant (Variation ID: 968219). Experimental studies and prediction algorithms are not available or were not evaluated, and the effect of this variant on mRNA splicing is currently unknown. In summary, the available evidence is currently insufficient to determine the role of this variant in disease. Therefore, it has been classified as a Variant of Uncertain Significance.

National Health Laboratory Service, Universitas Academic Hospital and University of the Free State
Classification: Uncertain significance for Hereditary breast ovarian cancer syndrome. Last evaluated: 2022-04-19. Review status: criteria provided, single submitter. Criteria: ACMG Guidelines, 2015. Collection method: clinical testing. Allele origin: germline. Affected: yes. Observed: 2 variant alleles.

NM_000051.4(ATM):c.8672-6_8672-2del

Genes: ATM (ATM serine/threonine kinase; plus strand), C11orf65 (chromosome 11 open reading frame 65; minus strand). Cytogenetic location: 11q22.3.
Variant type: Microsatellite.
Coding change: c.8672-6_8672-2del on transcript NM_000051.4 (MANE Select); 6 bases into the intron before coding-DNA position 8672 through the canonical splice acceptor site of the intron before coding-DNA position 8672, 5 bases deleted (CTTTA; older notation c.8672-6_8672-2delCTTTA).
Molecular consequence: splice acceptor variant. On other transcripts: intron variant (2).
Genome position (GRCh38, 1-based): chr11:108,353,760-108,353,764, CTTTA deleted; deleting any 5 consecutive bases within chr11:108,353,755-108,353,764 gives the same sequence; the c. name uses the placement nearest the transcript's 3' end. VCF-style (leftmost placement, unchanged base first): chr11-108353754-TCTTTA-T. GRCh37 (hg19) VCF-style: chr11-108224481-TCTTTA-T.
Other names: c.8672-6_8672-2del (NM_001351834.2); c.640+32161_640+32165del (NM_001330368.2); c.695-18467_695-18463del (NM_001351110.2).
Identifiers: ClinVar variation 968219 (VCV000968219.12), dbSNP rs2089488857, ClinGen allele CA1998820593.